The following is an entry in ClinVar:

ClinVar aggregate classification (germline): Uncertain significance (1 of 4 stars; one submission).

Conditions:
Maple syrup urine disease (MSUD). Identifiers: Orphanet 511, MedGen C0024776, MeSH D008375, MONDO:0009563. Disease mechanism: loss of function.

Submission:

Labcorp Genetics (formerly Invitae), Labcorp
Classification: Uncertain significance for Maple syrup urine disease. Last evaluated: 2021-04-08. Review status: criteria provided, single submitter. Criteria: Invitae Variant Classification Sherloc (09022015). Collection method: clinical testing. Allele origin: germline.
Comment: This sequence change replaces glutamine with histidine at codon 148 of the BCKDHB protein (p.Gln148His). The glutamine residue is highly conserved and there is a small physicochemical difference between glutamine and histidine. This variant is not present in population databases (ExAC no frequency). This variant has not been reported in the literature in individuals with BCKDHB-related conditions. Algorithms developed to predict the effect of missense changes on protein structure and function are either unavailable or do not agree on the potential impact of this missense change (SIFT: "Deleterious"; PolyPhen-2: "Probably Damaging"; Align-GVGD: "Class C0"). In summary, the available evidence is currently insufficient to determine the role of this variant in disease. Therefore, it has been classified as a Variant of Uncertain Significance.

NM_183050.4(BCKDHB):c.444G>C (p.Gln148His)

Gene: BCKDHB (branched chain keto acid dehydrogenase E1 subunit beta; plus strand). Cytogenetic location: 6q14.1.
Variant type: single nucleotide variant.
Coding change: c.444G>C on transcript NM_183050.4 (MANE Select); coding-DNA position 444, G replaced by C.
Protein change: p.Gln148His; replaces glutamine 148 with histidine.
Molecular consequence: missense variant. On other transcripts: non-coding transcript variant (1).
Genome position (GRCh38, 1-based): chr6:80,167,778, G>C. VCF-style: chr6-80167778-G-C. GRCh37 (hg19) VCF-style: chr6-80877495-G-C.
Other names: c.444G>C, p.Gln148His (NM_000056.5); c.234G>C, p.Gln78His (NM_001318975.1); short protein forms Q148H, Q78H.
Identifiers: ClinVar variation 1465416 (VCV001465416.8), dbSNP rs2127773506, ClinGen allele CA364660562.